The following is an entry in ClinVar:

NM_005419.4(STAT2):c.2126C>T (p.Pro709Leu)

Gene: STAT2 (signal transducer and activator of transcription 2; minus strand). Cytogenetic location: 12q13.3.
Variant type: single nucleotide variant.
Coding change: c.2126C>T on transcript NM_005419.4 (MANE Select); coding-DNA position 2126, C replaced by T.
Protein change: p.Pro709Leu; replaces proline 709 with leucine.
Molecular consequence: missense variant.
Genome position (GRCh38, 1-based): chr12:56,344,112, G>A on the plus strand (C>T on the coding strand, the complement: STAT2 is on the minus strand). VCF-style: chr12-56344112-G-A. GRCh37 (hg19) VCF-style: chr12-56737896-G-A.
Other names: c.2093C>T, p.Pro698Leu (NM_001385110.1); c.2027C>T, p.Pro676Leu (NM_001385111.1); c.2126C>T, p.Pro709Leu (NM_001385113.1); c.2105C>T, p.Pro702Leu (NM_001385114.1); c.2084C>T, p.Pro695Leu (NM_001385115.1); c.2114C>T, p.Pro705Leu (NM_198332.2); short protein forms P676L, P695L, P698L, P702L, P705L, P709L.
Identifiers: ClinVar variation 3764304 (VCV003764304.1).
Genomic context (GRCh38, chr12:56,344,112, plus strand): 5'-GGCACCAGCCCTAGTTCCAGCTCTAATGACTCCAGCTCTGGCTCTGGCTTAAGCTCCAGC[G>A]GTTGTTGCAGTTCATCCACCTGTCTGGATACCCAAAGACAGACAAAGGGGCAGGGCTCAG-3'
Protein context (NP_005410.1, residues 699-719): SNRQVDELQQ[Pro709Leu]LELKPEPELE

ClinVar aggregate classification (germline): Uncertain significance (1 of 4 stars; one submission).

gnomAD v4.1: 20 of 1,560,776 alleles (0.0013%); highest among the groups gnomAD compares: South Asian, 0.0023%; no homozygotes.

Submission:

GeneDx
Classification: Uncertain significance. Last evaluated: 2024-08-20. Review status: criteria provided, single submitter. Criteria: GeneDx Variant Classification Process June 2021. Collection method: clinical testing. Allele origin: germline. Affected: yes.
Comment: In silico analysis indicates that this missense variant does not alter protein structure/function; Has not been previously published as pathogenic or benign to our knowledge